The following is an entry in ClinVar:

ClinVar aggregate classification (germline): Uncertain significance. Review status: criteria provided, multiple submitters, no conflicts (2 of 4 stars). 2 submissions from 2 submitters: Uncertain significance (2). Last evaluated 2024-04-24.

Conditions:
Hypertrophic cardiomyopathy. Also called: HYPERTROPHIC MYOCARDIOPATHY. Identifiers: Orphanet 217569, MedGen C0007194, MeSH D002312, MONDO:0005045, HP:0001639.

Allele frequency attached by ClinVar (database versions not stated): TOPMed below 0.00001.

Submissions (2):

Labcorp Genetics (formerly Invitae), Labcorp
Classification: Uncertain significance for Hypertrophic cardiomyopathy. Last evaluated: 2024-04-24. Review status: criteria provided, single submitter. Criteria: Invitae Variant Classification Sherloc (09022015). Collection method: clinical testing. Allele origin: germline.
Comment: This sequence change replaces leucine, which is neutral and non-polar, with proline, which is neutral and non-polar, at codon 847 of the MYOM1 protein (p.Leu847Pro). This variant is not present in population databases (gnomAD no frequency). This variant has not been reported in the literature in individuals affected with MYOM1-related conditions. ClinVar contains an entry for this variant (Variation ID: 1792820). An algorithm developed to predict the effect of missense changes on protein structure and function (PolyPhen-2) suggests that this variant is likely to be tolerated. In summary, the available evidence is currently insufficient to determine the role of this variant in disease. Therefore, it has been classified as a Variant of Uncertain Significance.

Ambry Genetics
Classification: Uncertain significance. Last evaluated: 2021-07-22. Review status: criteria provided, single submitter. Criteria: Ambry Variant Classification Scheme 2023. Collection method: clinical testing. Allele origin: germline.
Comment: The p.L847P variant (also known as c.2540T>C), located in coding exon 17 of the MYOM1 gene, results from a T to C substitution at nucleotide position 2540. The leucine at codon 847 is replaced by proline, an amino acid with similar properties. This amino acid position is conserved. In addition, this alteration is predicted to be tolerated by in silico analysis. Since supporting evidence is limited at this time, the clinical significance of this alteration remains unclear.

NM_003803.4(MYOM1):c.2540T>C (p.Leu847Pro)

Gene: MYOM1 (myomesin 1; minus strand). Cytogenetic location: 18p11.31.
Variant type: single nucleotide variant.
Coding change: c.2540T>C on transcript NM_003803.4 (MANE Select); coding-DNA position 2540, T replaced by C.
Protein change: p.Leu847Pro; replaces leucine 847 with proline.
Molecular consequence: missense variant. On other transcripts: intron variant (1).
Genome position (GRCh38, 1-based): chr18:3,129,486, A>G on the plus strand (T>C on the coding strand, the complement: MYOM1 is on the minus strand). VCF-style: chr18-3129486-A-G. GRCh37 (hg19) VCF-style: chr18-3129484-A-G.
Other names: c.2506+1889T>C (NM_019856.2); short protein forms L847P.
Identifiers: ClinVar variation 1792820 (VCV001792820.4), dbSNP rs1767771962, ClinGen allele CA401710651.